The following is an entry in ClinVar:

ClinVar aggregate classification (germline): Likely benign (1 of 4 stars; one submission).

Conditions:
Familial cancer of breast. Also called: hereditary breast carcinoma; Hereditary breast cancer; BREAST CANCER, FAMILIAL. Identifiers: Orphanet 227535, MedGen C0346153, MONDO:0016419, OMIM 114480. Disease mechanism: loss of function.

Submission:

Myriad Genetics, Inc.
Classification: Likely benign for Familial cancer of breast. Last evaluated: 2024-08-29. Review status: criteria provided, single submitter. Criteria: Myriad Autosomal Dominant, Autosomal Recessive and X-Linked Classification Criteria (2023). Collection method: clinical testing. Allele origin: unknown.
Comment: This variant is considered likely benign. This variant is intronic and is not expected to impact mRNA splicing.

NM_032043.3(BRIP1):c.1795-18A>C

Gene: BRIP1 (BRCA1 interacting DNA helicase 1; minus strand). Cytogenetic location: 17q23.2.
Variant type: single nucleotide variant.
Coding change: c.1795-18A>C on transcript NM_032043.3 (MANE Select); 18 bases into the intron before coding-DNA position 1795, A replaced by C.
Molecular consequence: intron variant.
Genome position (GRCh38, 1-based): chr17:61,780,419, T>G on the plus strand (A>C on the coding strand, the complement: BRIP1 is on the minus strand). VCF-style: chr17-61780419-T-G. GRCh37 (hg19) VCF-style: chr17-59857780-T-G.
Identifiers: ClinVar variation 3378691 (VCV003378691.1).
Genomic context (GRCh38, chr17:61,780,419, plus strand): 5'-TCAAAACAATGGTCTGAACTTTGCCATTAATATCTGAAAAGGCCTAAAAGAAAACAACAT[T>G]AGATAAATAAAATTATCTTTAGAAGAGGCTGGGCAAAGTGGCTCACACCTGTAATCCCAG-3'